The following is an entry in ClinVar:

ClinVar aggregate classification (germline): Uncertain significance (1 of 4 stars; one submission).

Submission:

CeGaT Center for Human Genetics Tuebingen
Classification: Uncertain significance. Last evaluated: 2023-11-01. Review status: criteria provided, single submitter. Criteria: CeGaT Center For Human Genetics Tuebingen Variant Classification Criteria Version 2. Collection method: clinical testing. Allele origin: germline. Affected: yes. Observed: 2 variant alleles.
Comment: TTN: PM2

NM_001267550.2(TTN):c.72025A>T (p.Ser24009Cys)

Genes: TTN (titin; minus strand), TTN-AS1 (TTN antisense RNA 1; plus strand). Cytogenetic location: 2q31.2.
Variant type: single nucleotide variant.
Coding change: c.72025A>T on transcript NM_001267550.2 (MANE Select); coding-DNA position 72025, A replaced by T.
Protein change: p.Ser24009Cys; replaces serine 24009 with cysteine.
Molecular consequence: missense variant.
Genome position (GRCh38, 1-based): chr2:178,574,107, T>A on the plus strand (A>T on the coding strand, the complement: TTN is on the minus strand). VCF-style: chr2-178574107-T-A. GRCh37 (hg19) VCF-style: chr2-179438834-T-A.
Other names: c.67102A>T, p.Ser22368Cys (NM_001256850.1); c.44830A>T, p.Ser14944Cys (NM_003319.4); c.64321A>T, p.Ser21441Cys (NM_133378.4); c.45205A>T, p.Ser15069Cys (NM_133432.3); c.45406A>T, p.Ser15136Cys (NM_133437.4); short protein forms S14944C, S15069C, S15136C, S21441C, S22368C, S24009C.
Identifiers: ClinVar variation 2672836 (VCV002672836.23), dbSNP rs2468613759, ClinGen allele CA349648908.